The following is an entry in ClinVar:

NM_004484.4(GPC3):c.1574-7_1574-4del

Gene: GPC3 (glypican 3; minus strand). Cytogenetic location: Xq26.2.
Variant type: Microsatellite.
Coding change: c.1574-7_1574-4del on transcript NM_004484.4 (MANE Select); 7 bases into the intron before coding-DNA position 1574 through 4 bases into the intron before coding-DNA position 1574, 4 bases deleted (TTGA; older notation c.1574-7_1574-4delTTGA).
Molecular consequence: intron variant.
Genome position (GRCh38, 1-based): chrX:133,536,297-133,536,300, TCAA deleted on the plus strand (TTGA on the coding strand, the reverse complement: GPC3 is on the minus strand); deleting any 4 consecutive bases within chrX:133,536,297-133,536,304 gives the same sequence; the c. name uses the placement nearest the transcript's 3' end. VCF-style (leftmost placement, unchanged base first): chrX-133536296-GTCAA-G. GRCh37 (hg19) VCF-style: chrX-132670324-GTCAA-G.
Other names: p.?; c.1574-7_1574-4delTTGA (NM_004484.3); c.1412-7_1412-4del (NM_001164619.2); c.1526-7_1526-4del (NM_001164618.2); c.1643-7_1643-4del (NM_001164617.2).
Identifiers: ClinVar variation 239939 (VCV000239939.19), dbSNP rs751413609, ClinGen allele CA10520647.

ClinVar aggregate classification (germline): Benign/Likely benign. Review status: criteria provided, multiple submitters, no conflicts (2 of 4 stars). 7 submissions from 7 submitters: Benign (3); Likely benign (4). Last evaluated 2026-01-28.

Conditions:
Inborn genetic diseases. Identifiers: MedGen C0950123, MeSH D030342.
Hereditary cancer-predisposing syndrome. Also called: Hereditary Cancer Syndrome; Tumor predisposition; Hereditary neoplastic syndrome; Neoplastic Syndromes, Hereditary. Identifiers: Orphanet 140162, MedGen C0027672, MeSH D009386, MONDO:0015356.
Wilms tumor 1 (WT1). Also called: Wilms tumor, somatic. Identifiers: Orphanet 654, MedGen CN033288, MONDO:0008679, OMIM 194070.

Submissions (7):

Labcorp Genetics (formerly Invitae), Labcorp
Classification: Benign for Wilms tumor 1. Last evaluated: 2026-01-28. Review status: criteria provided, single submitter. Criteria: Invitae Variant Classification Sherloc (09022015). Collection method: clinical testing. Allele origin: germline.

Mayo Clinic Laboratories, Mayo Clinic
Classification: Benign. Last evaluated: 2025-10-08. Review status: criteria provided, single submitter. Criteria: ACMG Guidelines, 2015. Collection method: clinical testing. Allele origin: germline. Observed: 5 variant alleles.
Comment: BS1, BS2, BP4, BP7

Blueprint Genetics
Classification: Likely benign. Last evaluated: 2024-11-13. Review status: criteria provided, single submitter. Criteria: ACMG Guidelines, 2015. Collection method: clinical testing. Allele origin: germline.

Sema4
Classification: Likely benign for Hereditary cancer-predisposing syndrome. Last evaluated: 2021-06-07. Review status: criteria provided, single submitter. Criteria: Sema4 Curation Guidelines. Collection method: curation. Allele origin: germline.

GeneDx
Classification: Likely benign. Last evaluated: 2021-06-03. Review status: criteria provided, single submitter. Criteria: GeneDx Variant Classification Process June 2021. Collection method: clinical testing. Allele origin: germline. Affected: yes.

Ambry Genetics
Classification: Benign for Inborn genetic diseases. Last evaluated: 2018-06-22. Review status: criteria provided, single submitter. Criteria: Ambry Variant Classification Scheme 2023. Collection method: clinical testing. Allele origin: germline.

PreventionGenetics, part of Exact Sciences
Classification: Likely benign. Review status: criteria provided, single submitter. Criteria: ACMG Guidelines, 2015. Collection method: clinical testing. Allele origin: germline.